The following is an entry in ClinVar:

ClinVar aggregate classification (germline): Pathogenic/Likely pathogenic. Review status: criteria provided, multiple submitters, no conflicts (2 of 4 stars). 2 submissions from 2 submitters: Pathogenic (1); Likely pathogenic (1). Last evaluated 2024-05-15.

Conditions:
GFM1-related disorders.

Submissions (2):

Blueprint Genetics
Classification: Likely pathogenic for GFM1-related disorders. Last evaluated: 2024-05-15. Review status: criteria provided, single submitter. Criteria: ACMG Guidelines, 2015. Collection method: clinical testing. Allele origin: germline. Affected: yes. Observed: 1 variant allele.

Labcorp Genetics (formerly Invitae), Labcorp
Classification: Pathogenic. Last evaluated: 2023-08-19. Review status: criteria provided, single submitter. Criteria: Invitae Variant Classification Sherloc (09022015). Collection method: clinical testing. Allele origin: germline.
Comment: This variant has not been reported in the literature in individuals affected with GFM1-related conditions. ClinVar contains an entry for this variant (Variation ID: 971887). For these reasons, this variant has been classified as Pathogenic. Information on the frequency of this variant in the gnomAD database is not available, as this variant may be reported differently in the database. This sequence change creates a premature translational stop signal (p.Ala246*) in the GFM1 gene. It is expected to result in an absent or disrupted protein product. Loss-of-function variants in GFM1 are known to be pathogenic (PMID: 16632485, 17160893).

Literature cited by the submitters: PubMed 16632485 (cited by Labcorp Genetics (formerly Invitae), Labcorp); PubMed 17160893 (cited by Labcorp Genetics (formerly Invitae), Labcorp).

NM_024996.7(GFM1):c.735_747delinsTTAATTAATTAG (p.Ala246_His249delinsTer)

Gene: GFM1 (G elongation factor mitochondrial 1; plus strand). Cytogenetic location: 3q25.32.
Variant type: Indel.
Coding change: c.735_747delinsTTAATTAATTAG on transcript NM_024996.7 (MANE Select); coding-DNA positions 735 to 747, GGCCACTGACCAC replaced by TTAATTAATTAG.
Protein change: p.Ala246_His249delinsTer.
Molecular consequence: nonsense. On other transcripts: non-coding transcript variant (4).
Genome position (GRCh38, 1-based): chr3:158,652,141-158,652,153, GGCCACTGACCAC replaced by TTAATTAATTAG. VCF-style: chr3-158652141-GGCCACTGACCAC-TTAATTAATTAG. GRCh37 (hg19) VCF-style: chr3-158369930-GGCCACTGACCAC-TTAATTAATTAG.
Other names: c.792_804delinsTTAATTAATTAG, p.Ala265_His268delinsTer (NM_001308164.2, NM_001374355.1); c.735_747delinsTTAATTAATTAG, p.Ala246_His249delinsTer (NM_001308166.2); c.618_630delinsTTAATTAATTAG, p.Ala207_His210delinsTer (NM_001374356.1); c.510_522delinsTTAATTAATTAG, p.Ala171_His174delinsTer (NM_001374357.1); c.276_288delinsTTAATTAATTAG, p.Ala93_His96delinsTer (NM_001374358.1); c.168_180delinsTTAATTAATTAG, p.Ala57_His60delinsTer (NM_001374359.1, NM_001374360.1); c.51_63delinsTTAATTAATTAG, p.Ala18_His21delinsTer (NM_001374361.1).
Identifiers: ClinVar variation 971887 (VCV000971887.6), dbSNP rs1722345825, ClinGen allele CA1139658316.
Genomic context (GRCh38, chr3:158,652,141, plus strand): 5'-TATTTGCTTTCTTAGTCAGATTGTTCGATATGGTGAGATTCCAGCTGAATTAAGGGCGGC[GGCCACTGACCAC>TTAATTAATTAG]CGGCAGGAGCTAATTGAATGTGTTGCCAATTCAGATGAACAGCTTGGTGAGATGTTTCTG-3'